The following continues an entry in ClinVar:

NM_001165963.4(SCN1A):c.602+1G>A

Gene: SCN1A. ClinVar aggregate classification (germline): Pathogenic. Pathogenic (20).

Submissions 12 to 23 of 23:

Pediatrics, MediClubGeorgia
Classification: Pathogenic for Focal impaired awareness seizure. Last evaluated: 2020-11-01. Review status: criteria provided, single submitter. Criteria: ACMG Guidelines, 2015. Collection method: clinical testing. Allele origin: inherited. Inheritance: Autosomal dominant inheritance. Affected: yes. Observed: 1 variant allele, 1 heterozygote.
Comment: This sequence change affects a donor splice site in intron 4 of the SCN1A gene. It is expected to disrupt RNA splicing and likely results in an absent or disrupted protein product. This variant is not present in population databases. Algorithms developed to predict the effect of sequence changes on RNA splicing suggest that this variant may disrupt the consensus splice site, but this prediction has not been confirmed by published transcriptional studies. Donor and acceptor splice site variants typically lead to a loss of protein function. This variant has been described in several affected individuals.

Cytogénomique, Hospices Civils de Lyon
Classification: Pathogenic for Generalized epilepsy with febrile seizures plus, type 2. Last evaluated: 2018-07-20. Review status: criteria provided, single submitter. Criteria: ACMG Guidelines, 2015. Collection method: clinical testing. Allele origin: de novo. Inheritance: Autosomal dominant inheritance. Affected: yes.

Center for Genomics, Ann and Robert H. Lurie Children's Hospital of Chicago
Classification: Pathogenic for Generalized epilepsy with febrile seizures plus, type 2; Severe myoclonic epilepsy in infancy; Migraine, familial hemiplegic, 3. Last evaluated: 2018-07-03. Review status: criteria provided, single submitter. Criteria: ACMG Guidelines, 2015. Collection method: clinical testing. Allele origin: germline.
Comment: SCN1A NM_001165963.1 exon 4 c.602+1G>A: This variant has been reported in the literature in at least 8 individuals with Dravet syndrome/epileptic encephalopathy, segregating with disease in at least 2 affected family members and reported as de novo in at least 4 individuals (Marini 2006 PMID:17054697, Depienne 2010 PMID:20522430, Rodda 2012 PMID:22409937, Allen 2013 PMID:23934111, Ortega-Moreno 2017 PMID:29190809, Turner 2017 PMID:28148630). This variant is not present in large control databases. This variant is present in ClinVar (Variation ID:197187). Evolutionary conservation and computational predictive tools for this variant are limited or unavailable. Of note, this variant alters the consensus splice sequence (+/- 1,2) which is predicted to result in an absent or abnormal protein. Loss of function has been reported as a disease mechanism for this gene and disease (Depienne 2009 PMID:18930999). In summary, this variant is classified as pathogenic.

GeneDx
Classification: Pathogenic. Last evaluated: 2017-12-26. Review status: criteria provided, single submitter. Criteria: GeneDx Variant Classification (06012015). Collection method: clinical testing. Allele origin: germline. Affected: yes.
Comment: The c.602+1 G>A splice site variant in the SCN1A gene has been reported previously multiple times as an assumed de novo or an inherited variant in association with Dravet syndrome and other SCN1A-related disorders (Fujiwara et al., 2003; Harkin et al., 2007; Depienne et al., 2009; SCN1A Variant Database). It has also been observed as an assumed de novo variant in individuals with epilepsy tested previously at GeneDx. The c.602+1 G>A pathogenic variant destroys the canonical splice donor site in intron 4, and is expected to cause abnormal gene splicing. It is not observed in large population cohorts (Lek et al., 2016). Therefore, the presence of c.602+1 G>A is consistent with the diagnosis of a SCN1A-related disorder in this individual.

Cytogénomique, Hospices Civils de Lyon
Classification: Pathogenic for Severe myoclonic epilepsy in infancy. Last evaluated: 2017-08-07. Review status: criteria provided, single submitter. Criteria: ACMG Guidelines, 2015. Collection method: clinical testing. Allele origin: de novo. Inheritance: Autosomal dominant inheritance. Affected: yes.

Eurofins Ntd Llc (ga)
Classification: Pathogenic. Last evaluated: 2015-05-01. Review status: criteria provided, single submitter. Criteria: EGL Classification Definitions 2015. Collection method: clinical testing. Allele origin: germline. Observed: 1 variant allele, 1 heterozygote.

Juno Genomics, Hangzhou Juno Genomics, Inc
Classification: Pathogenic for Severe myoclonic epilepsy in infancy; Generalized epilepsy with febrile seizures plus, type 2; Migraine, familial hemiplegic, 3; Developmental and epileptic encephalopathy 6B. Review status: criteria provided, single submitter. Criteria: ACMG Guidelines, 2015. Collection method: clinical testing. Allele origin: germline. Affected: yes.
Comment: Absent from controls (or at extremely low frequency if recessive) in Genome Aggregation Database, Exome Sequencing Project, 1000 Genomes Project, or Exome Aggregation Consortium.;Null variant in a gene where loss of function (LOF) is a known mechanism of disease.;The prevalence of the variant in affected individuals is significantly increased compared to the prevalence in controls.;De novo (both maternity and paternity confirmed) in a patient with the disease and no family history.

Neuberg Centre For Genomic Medicine, NCGM
Classification: Pathogenic for Developmental and epileptic encephalopathy, 76. Review status: criteria provided, single submitter. Criteria: ACMG Guidelines, 2015. Collection method: clinical testing. Allele origin: germline. Inheritance: Autosomal dominant inheritance. Affected: yes.
Comment: The c.602+1 G>A splice site variant in the SCN1A gene has been reported previously in heterozygous state in several individuals affected with SCN1A-related disease (Fujiwara et al.,2003; Epi4K Consortium. et al., 2013) and observed to segregate with Dravet syndrome in a family (Depienne et al., 2009). The variant is novel (not in any individuals) in gnomAD Exomes and 1000 Genomes. This variant has been submitted to ClinVar as Pathogenic. The nucleotide change in SCN1A is predicted as conserved by GERP++ and PhyloP across 100 vertebrates. This sequence change affects a donor splice site in intron 4 of the SCN1A gene. It is expected to disrupt RNA splicing and likely results in an absent or disrupted protein product. Donor and acceptor splice site variants typically lead to a loss of protein function (Baralle et al., 2005), and loss-of-function variants in SCN1A are known to be pathogenic (Harkin et al., 2007). For these reasons, this variant has been classified as Pathogenic.

Neuberg Centre For Genomic Medicine, NCGM
Classification: Pathogenic for Generalized epilepsy with febrile seizures plus, type 2. Review status: criteria provided, single submitter. Criteria: ACMG Guidelines, 2015. Collection method: clinical testing. Allele origin: germline. Inheritance: Autosomal dominant inheritance. Affected: yes.

Foundation for Research in Genetics and Endocrinology, FRIGE's Institute of Human Genetics
Classification: Uncertain significance for Severe myoclonic epilepsy in infancy. Last evaluated: 2017-12-18. Review status: no assertion criteria provided. Collection method: clinical testing. Allele origin: germline. Inheritance: Autosomal dominant inheritance. Affected: yes. Observed: 1 variant allele, 1 heterozygote. Not counted in ClinVar's aggregate classification.
Comment: The observed variant c.602+1G>A (5' splice site) has not been reported in 1000 genomes and ExAC databases. However, it is reported in a publication by Djemie T et al. 2016. The in silico prediction of the variant is damaging by MutationTaster2.

Center of Excellence for Medical Genomics, Chulalongkorn University
Classification: Pathogenic for Migraine, familial hemiplegic, 3. Last evaluated: 2002-09-08. Review status: no assertion criteria provided. Collection method: research. Allele origin: unknown. Affected: yes. Not counted in ClinVar's aggregate classification.

NIHR Bioresource Rare Diseases, University of Cambridge
Classification: Pathogenic for Autism; Seizure; Global developmental delay. Review status: no assertion criteria provided. Collection method: research. Allele origin: unknown. Affected: yes. Observed: 1 variant allele. Not counted in ClinVar's aggregate classification.

Literature cited by the submitters: PubMed 37541188 (cited by Women's Health and Genetics/Laboratory Corporation of America, LabCorp); PubMed 16199547 (cited by Labcorp Genetics (formerly Invitae), Labcorp and Pediatrics, MediClubGeorgia); PubMed 17347258 (cited by 3 submitters); PubMed 18930999 (cited by Labcorp Genetics (formerly Invitae), Labcorp and Variantyx, Inc.); PubMed 12566275 (cited by 4 submitters); PubMed 20522430 (cited by Labcorp Genetics (formerly Invitae), Labcorp); PubMed 23934111 (cited by Labcorp Genetics (formerly Invitae), Labcorp); PubMed 28148630 (cited by Labcorp Genetics (formerly Invitae), Labcorp); PubMed 30868114 (cited by Variantyx, Inc.); PubMed 34293681 (cited by Variantyx, Inc.); PubMed 35359575 (cited by Variantyx, Inc.); PubMed 29190809 (cited by Institute of Human Genetics Munich, TUM University Hospital); PubMed 22071555 (cited by Eurofins Ntd Llc (ga)); PubMed 22409937 (cited by Eurofins Ntd Llc (ga)); PubMed 32581362 (cited by NIHR Bioresource Rare Diseases, University of Cambridge).